The following is an entry in ClinVar:

NM_002334.4(LRP4):c.1048+7G>T

Gene: LRP4 (LDL receptor related protein 4; minus strand). Cytogenetic location: 11p11.2.
Variant type: single nucleotide variant.
Coding change: c.1048+7G>T on transcript NM_002334.4 (MANE Select); 7 bases into the intron after coding-DNA position 1048, G replaced by T.
Molecular consequence: intron variant.
Genome position (GRCh38, 1-based): chr11:46,896,203, C>A on the plus strand (G>T on the coding strand, the complement: LRP4 is on the minus strand). VCF-style: chr11-46896203-C-A. GRCh37 (hg19) VCF-style: chr11-46917754-C-A.
Identifiers: ClinVar variation 288216 (VCV000288216.60), dbSNP rs148557097, ClinGen allele CA5970292.
Genomic context (GRCh38, chr11:46,896,203, plus strand): 5'-CTTTGAACCCTATGGGTGGGGTTCGGCCACAAACCATGGGCCAGGTCCGCCCACTGGGGA[C>A]ACTCACGGCAATTCTGCTGTGGGCTTTCGTCGCTGTTGTCACCACAGTCGTTGACCCCGT-3'

ClinVar aggregate classification (germline): Conflicting classifications of pathogenicity. Review status: criteria provided, conflicting classifications (1 of 4 stars). 5 submissions from 5 submitters: Uncertain significance (2); Likely benign (3). Last evaluated 2026-01-27.

Conditions:
Congenital myasthenic syndrome 17. Identifiers: Orphanet 590, MedGen C4225377, MONDO:0014578, OMIM 616304.
Cenani-Lenz syndactyly syndrome. Also called: SYNDACTYLY, TYPE VII; CENANI SYNDACTYLISM. Identifiers: Orphanet 3258, MedGen C1859309, MONDO:0008931, OMIM 212780.
Sclerosteosis 2 (SOST2). Identifiers: Orphanet 3152, MedGen C3280402, MONDO:0013679, OMIM 614305.

Allele frequency attached by ClinVar (database versions not stated): TOPMed 0.00197; gnomAD 0.00210 and 0.00220; ESP Exome Variant Server 0.00223; 1000 Genomes Project 30x 0.00031; 1000 Genomes Project 0.00040; ExAC 0.00146.
gnomAD v4.1: 4,375 of 1,613,712 alleles (0.27%); highest among the groups gnomAD compares: Non-Finnish European, 0.33%; 10 homozygotes.

Submissions (5):

Labcorp Genetics (formerly Invitae), Labcorp
Classification: Likely benign for Cenani-Lenz syndactyly syndrome; Sclerosteosis 2; Congenital myasthenic syndrome 17. Last evaluated: 2026-01-27. Review status: criteria provided, single submitter. Criteria: Invitae Variant Classification Sherloc (09022015). Collection method: clinical testing. Allele origin: germline.

Blueprint Genetics
Classification: Likely benign. Last evaluated: 2024-11-18. Review status: criteria provided, single submitter. Criteria: ACMG Guidelines, 2015. Collection method: clinical testing. Allele origin: germline.

CeGaT Center for Human Genetics Tuebingen
Classification: Likely benign. Last evaluated: 2024-07-01. Review status: criteria provided, single submitter. Criteria: CeGaT Center For Human Genetics Tuebingen Variant Classification Criteria Version 2. Collection method: clinical testing. Allele origin: germline. Affected: yes. Observed: 6 variant alleles.
Comment: LRP4: BP4, BS2

Illumina Laboratory Services, Illumina
Classification: Uncertain significance for Cenani-Lenz syndactyly syndrome. Last evaluated: 2017-04-27. Review status: criteria provided, single submitter. Criteria: ICSL Variant Classification Criteria 13 December 2019. Collection method: clinical testing. Allele origin: germline.

Eurofins Ntd Llc (ga)
Classification: Uncertain significance. Last evaluated: 2016-06-16. Review status: criteria provided, single submitter. Criteria: EGL Classification Definitions 2015. Collection method: clinical testing. Allele origin: germline. Observed: 1 variant allele, 1 heterozygote.